The following is an entry in ClinVar:

ClinVar aggregate classification (germline): Uncertain significance (1 of 4 stars; one submission).

Conditions:
Mucopolysaccharidosis type 6 (MPS6). Also called: N-ACETYLGALACTOSAMINE-4-SULFATASE DEFICIENCY; MPS VI; MPS 6; Maroteaux Lamy syndrome; ARSB DEFICIENCY; ARYLSULFATASE B DEFICIENCY. Identifiers: Orphanet 583, MedGen C0026709, MONDO:0009661, OMIM 253200.

Submission:

Laboratory of Diagnosis and Therapy of Lysosomal Disorders, University of Padova
Classification: Uncertain significance for Mucopolysaccharidosis type 6. Last evaluated: 2018-01-01. Review status: criteria provided, single submitter. Criteria: ACMG Guidelines, 2015. Collection method: curation. Allele origin: germline. Affected: yes.
Comment: Absent from GnomAD (PM2)

Literature cited by the submitters: PubMed 30118150.

NM_000046.5(ARSB):c.277C>T (p.Pro93Ser)

Genes: ARSB (arylsulfatase B; minus strand), LOC129994126 (ATAC-STARR-seq lymphoblastoid silent region 16127; plus strand). Cytogenetic location: 5q14.1.
Variant type: single nucleotide variant.
Coding change: c.277C>T on transcript NM_000046.5 (MANE Select); coding-DNA position 277, C replaced by T.
Protein change: p.Pro93Ser; replaces proline 93 with serine.
Molecular consequence: missense variant.
Genome position (GRCh38, 1-based): chr5:78,984,972, G>A on the plus strand (C>T on the coding strand, the complement: ARSB is on the minus strand). VCF-style: chr5-78984972-G-A. GRCh37 (hg19) VCF-style: chr5-78280795-G-A.
Other names: c.277C>T, p.Pro93Ser (NM_198709.3); short protein forms P93S.
Identifiers: ClinVar variation 559760 (VCV000559760.1), dbSNP rs1554032104, ClinGen allele CA360196432.